The following is an entry in ClinVar:

ClinVar aggregate classification (germline): Uncertain significance. Review status: criteria provided, multiple submitters, no conflicts (2 of 4 stars). 2 submissions from 2 submitters: Uncertain significance (2). Last evaluated 2024-08-13.

Conditions:
Autosomal recessive limb-girdle muscular dystrophy type R18 (LGMDR18). Also called: MUSCULAR DYSTROPHY, LIMB-GIRDLE, AUTOSOMAL RECESSIVE 18; Autosomal recessive limb-girdle muscular dystrophy type 2S; Limb-girdle muscular dystrophy, type 2S. Identifiers: Orphanet 369840, MedGen C4517996, MONDO:0014144, OMIM 615356.

Allele frequency attached by ClinVar (database versions not stated): gnomAD 0.00001 and 0.00002; TOPMed 0.00001; gnomAD exomes 0.00002.
gnomAD v4.1: 30 of 1,608,148 alleles (0.0019%); highest among the groups gnomAD compares: East Asian, 0.067%; no homozygotes.

Submissions (2):

GeneDx
Classification: Uncertain significance. Last evaluated: 2024-08-13. Review status: criteria provided, single submitter. Criteria: GeneDx Variant Classification Process June 2021. Collection method: clinical testing. Allele origin: germline. Affected: yes.
Comment: Not observed at significant frequency in large population cohorts (gnomAD); In silico analysis indicates that this missense variant does not alter protein structure/function; Has not been previously published as pathogenic or benign to our knowledge

Labcorp Genetics (formerly Invitae), Labcorp
Classification: Uncertain significance for Autosomal recessive limb-girdle muscular dystrophy type R18. Last evaluated: 2023-08-17. Review status: criteria provided, single submitter. Criteria: Invitae Variant Classification Sherloc (09022015). Collection method: clinical testing. Allele origin: germline.
Comment: In summary, the available evidence is currently insufficient to determine the role of this variant in disease. Therefore, it has been classified as a Variant of Uncertain Significance. Advanced modeling of protein sequence and biophysical properties (such as structural, functional, and spatial information, amino acid conservation, physicochemical variation, residue mobility, and thermodynamic stability) performed at Invitae indicates that this missense variant is expected to disrupt TRAPPC11 protein function. ClinVar contains an entry for this variant (Variation ID: 964832). This variant has not been reported in the literature in individuals affected with TRAPPC11-related conditions. This variant is not present in population databases (gnomAD no frequency). This sequence change replaces histidine, which is basic and polar, with tyrosine, which is neutral and polar, at codon 255 of the TRAPPC11 protein (p.His255Tyr).

NM_021942.6(TRAPPC11):c.763C>T (p.His255Tyr)

Gene: TRAPPC11 (trafficking protein particle complex subunit 11; plus strand). Cytogenetic location: 4q35.1.
Variant type: single nucleotide variant.
Coding change: c.763C>T on transcript NM_021942.6 (MANE Select); coding-DNA position 763, C replaced by T.
Protein change: p.His255Tyr; replaces histidine 255 with tyrosine.
Molecular consequence: missense variant.
Genome position (GRCh38, 1-based): chr4:183,677,486, C>T. VCF-style: chr4-183677486-C-T. GRCh37 (hg19) VCF-style: chr4-184598639-C-T.
Other names: c.763C>T, p.His255Tyr (NM_199053.3); short protein forms H255Y.
Identifiers: ClinVar variation 964832 (VCV000964832.10), dbSNP rs1237348034, ClinGen allele CA358861841.
Genomic context (GRCh38, chr4:183,677,486, plus strand): 5'-AATTTATATCATTAACCACCCTCCTCATTTAGGAATTATAGGACCGCCTATAATCTTGTA[C>T]ACGAATTGAGAGCCCATGAAACTAATATTCTGGAAATTAAGACTATGGCAGGATTTATAA-3'
Protein context (NP_068761.4, residues 245-265): KNYRTAYNLV[His255Tyr]ELRAHETNIL